The following is an entry in ClinVar:

NM_000348.4(SRD5A2):c.78C>T (p.Tyr26=)

Gene: SRD5A2 (steroid 5 alpha-reductase 2; minus strand). Cytogenetic location: 2p23.1.
Variant type: single nucleotide variant.
Coding change: c.78C>T on transcript NM_000348.4 (MANE Select); coding-DNA position 78, C replaced by T.
Protein change: p.Tyr26=; no amino-acid change (tyrosine 26 retained).
Molecular consequence: synonymous variant.
Genome position (GRCh38, 1-based): chr2:31,580,823, G>A on the plus strand (C>T on the coding strand, the complement: SRD5A2 is on the minus strand). VCF-style: chr2-31580823-G-A. GRCh37 (hg19) VCF-style: chr2-31805892-G-A.
Other names: c.78C>T (NM_000348.3).
Identifiers: ClinVar variation 2897077 (VCV002897077.5), dbSNP rs104893667, ClinGen allele CA767788344.
Genomic context (GRCh38, chr2:31,580,823, plus strand): 5'-GCGGGTAGCCGCCGGCTTCAGGCTCTCCGTGTGCTTCCCGTAGCCGGAGGGCTTCGCGAC[G>A]TACAAGGCCAGTGCCCCAAGGGCGACCAAAGTGGCGCTGCCTGCCAGCACTGGGCTCTGC-3'
Protein context (NP_000339.2, residues 16-36): TLVALGALAL[Tyr26=]VAKPSGYGKH

ClinVar aggregate classification (germline): Likely benign. Review status: criteria provided, single submitter (1 of 4 stars). 2 submissions from 2 submitters: Likely benign (1). 1 of the submissions does not count toward it. Last evaluated 2023-07-06.

Conditions:
SRD5A2-related disorder. Also called: SRD5A2-related condition.
3-Oxo-5 alpha-steroid delta 4-dehydrogenase deficiency (PPSH). Also called: PSEUDOVAGINAL PERINEOSCROTAL HYPOSPADIAS; FAMILIAL INCOMPLETE MALE PSEUDOHERMAPHRODITISM, TYPE 2; 46,XY disorder of sex development due to 5-alpha-reductase 2 deficiency; MALE PSEUDOHERMAPHRODITISM DUE TO 5-ALPHA-REDUCTASE DEFICIENCY. Identifiers: Orphanet 753, MedGen C0268297, MONDO:0009923, OMIM 264600. Disease mechanism: loss of function.

Allele frequency attached by ClinVar (database versions not stated): TOPMed below 0.00001.
gnomAD v4.1: 1 of 1,612,524 alleles (0.000062%); highest among the groups gnomAD compares: Non-Finnish European, 0.000085%; no homozygotes.

Submissions (2):

Labcorp Genetics (formerly Invitae), Labcorp
Classification: Likely benign for 3-Oxo-5 alpha-steroid delta 4-dehydrogenase deficiency. Last evaluated: 2023-07-06. Review status: criteria provided, single submitter. Criteria: Invitae Variant Classification Sherloc (09022015). Collection method: clinical testing. Allele origin: germline.

PreventionGenetics, part of Exact Sciences
Classification: Likely benign for SRD5A2-related condition. Last evaluated: 2020-10-27. Review status: no assertion criteria provided. Collection method: clinical testing. Allele origin: germline. Not counted in ClinVar's aggregate classification.
Comment: This variant is classified as likely benign based on ACMG/AMP sequence variant interpretation guidelines (Richards et al. 2015 PMID: 25741868, with internal and published modifications).